The following is an entry in ClinVar:

NM_058216.3(RAD51C):c.794T>C (p.Leu265Pro)

Gene: RAD51C (RAD51 paralog C; plus strand). Cytogenetic location: 17q22.
Variant type: single nucleotide variant.
Coding change: c.794T>C on transcript NM_058216.3 (MANE Select); coding-DNA position 794, T replaced by C.
Protein change: p.Leu265Pro; replaces leucine 265 with proline.
Molecular consequence: missense variant. On other transcripts: non-coding transcript variant (1).
Genome position (GRCh38, 1-based): chr17:58,709,947, T>C. VCF-style: chr17-58709947-T-C. GRCh37 (hg19) VCF-style: chr17-56787308-T-C.
Other names: short protein forms L265P.
Identifiers: ClinVar variation 480945 (VCV000480945.5), dbSNP rs1555599220, ClinGen allele CA400354084.
Genomic context (GRCh38, chr17:58,709,947, plus strand): 5'-CTTTTCCATTTCGTCATGACCTAGATGACCTGTCTCTTCGTACTCGGTTATTAAATGGCC[T>C]AGCCCAGCAAATGATCAGCCTTGCAAATAATCACAGATTAGCTGTAAGTATTAACTAGTG-3'
Protein context (NP_478123.1, residues 255-275): LSLRTRLLNG[Leu265Pro]AQQMISLANN

ClinVar aggregate classification (germline): Uncertain significance (1 of 4 stars; one submission).

Conditions:
Hereditary cancer-predisposing syndrome. Also called: Hereditary Cancer Syndrome; Neoplastic Syndromes, Hereditary; Tumor predisposition; Hereditary neoplastic syndrome. Identifiers: Orphanet 140162, MedGen C0027672, MeSH D009386, MONDO:0015356.

gnomAD v4.1: 1 of 1,613,292 alleles (0.000062%); no homozygotes.

Submission:

Ambry Genetics
Classification: Uncertain significance for Hereditary cancer-predisposing syndrome. Last evaluated: 2016-07-14. Review status: criteria provided, single submitter. Criteria: Ambry Variant Classification Scheme 2023. Collection method: clinical testing. Allele origin: germline.
Comment: The p.L265P variant (also known as c.794T>C), located in coding exon 5 of the RAD51C gene, results from a T to C substitution at nucleotide position 794. The leucine at codon 265 is replaced by proline, an amino acid with similar properties. This variant was not reported in population based cohorts in the following databases: Database of Single Nucleotide Polymorphisms (dbSNP), NHLBI Exome Sequencing Project (ESP), and 1000 Genomes Project. In the ESP, this variant was not observed in 6503 samples (13006 alleles) with coverage at this position. To date, this alteration has been detected with an allele frequency of approximately 0.001% (greater than 175000 alleles tested) in our clinical cohort. This amino acid position is well conserved in available vertebrate species. In addition, this alteration is predicted to be deleterious by in silico analysis. Since supporting evidence is limited at this time, the clinical significance of this alteration remains unclear.